The following is an entry in ClinVar:

ClinVar aggregate classification (germline): Conflicting classifications of pathogenicity. Review status: criteria provided, conflicting classifications (1 of 4 stars). 12 submissions from 12 submitters: Uncertain significance (7); Likely benign (2). 3 of the submissions do not count toward it. Last evaluated 2025-12-28.

Conditions:
Megacystis-microcolon-intestinal hypoperistalsis syndrome 1. Identifiers: MedGen C5542316, MONDO:0100354, OMIM 249210.
Aortic aneurysm, familial thoracic 7 (AAT7). Also called: AORTIC DISSECTION, FAMILIAL, WITH OR WITHOUT AORTIC ANEURYSM. Identifiers: MedGen C3151077, MONDO:0013418, OMIM 613780.
Familial thoracic aortic aneurysm and aortic dissection (TAAD). Also called: Thoracic aortic aneurysms and dissections. Identifiers: Orphanet 91387, MedGen C4707243, MONDO:0019625.
Marfan syndrome (MFS). Also called: Marfan syndrome, classic; MARFAN SYNDROME, TYPE I; FBN1-Related Marfan Syndrome; Marfan syndrome type 1; Marfan's syndrome. Identifiers: Orphanet 284963, Orphanet 558, MedGen C0024796, MONDO:0007947, OMIM 154700.

Allele frequency attached by ClinVar (database versions not stated): gnomAD 0.00012; ExAC 0.00013; gnomAD exomes 0.00015 and 0.00017; TOPMed 0.00019; ESP Exome Variant Server 0.00024.
gnomAD v4.1: 252 of 1,605,086 alleles (0.016%); highest among the groups gnomAD compares: Non-Finnish European, 0.021%; no homozygotes.

Submissions (12):

Labcorp Genetics (formerly Invitae), Labcorp
Classification: Uncertain significance for Aortic aneurysm, familial thoracic 7. Last evaluated: 2025-12-28. Review status: criteria provided, single submitter. Criteria: Invitae Variant Classification Sherloc (09022015). Collection method: clinical testing. Allele origin: germline.
Comment: This sequence change replaces proline, which is neutral and non-polar, with leucine, which is neutral and non-polar, at codon 825 of the MYLK protein (p.Pro825Leu). This variant is present in population databases (rs201332554, gnomAD 0.03%). This missense change has been observed in individual(s) with clinical features of MYLK-related conditions (internal data). ClinVar contains an entry for this variant (Variation ID: 264351). Invitae Evidence Modeling of protein sequence and biophysical properties (such as structural, functional, and spatial information, amino acid conservation, physicochemical variation, residue mobility, and thermodynamic stability) indicates that this missense variant is not expected to disrupt MYLK protein function with a negative predictive value of 80%. In summary, the available evidence is currently insufficient to determine the role of this variant in disease. Therefore, it has been classified as a Variant of Uncertain Significance.

GeneDx
Classification: Uncertain significance. Last evaluated: 2025-01-23. Review status: criteria provided, single submitter. Criteria: GeneDx Variant Classification Process June 2021. Collection method: clinical testing. Allele origin: germline. Affected: yes.
Comment: Has not been previously published as pathogenic or benign to our knowledge; In silico analysis supports that this missense variant has a deleterious effect on protein structure/function

Ambry Genetics
Classification: Uncertain significance for Familial thoracic aortic aneurysm and aortic dissection. Last evaluated: 2024-12-04. Review status: criteria provided, single submitter. Criteria: Ambry Variant Classification Scheme 2023. Collection method: clinical testing. Allele origin: germline.

ARUP Laboratories, Molecular Genetics and Genomics, ARUP Laboratories
Classification: Uncertain significance. Last evaluated: 2024-10-30. Review status: criteria provided, single submitter. Criteria: ARUP Molecular Germline Variant Investigation Process 2024. Collection method: clinical testing. Allele origin: germline.
Comment: The MYLK c.2474C>T; p.Pro825Leu variant (rs201332554), to our knowledge, is not reported in the medical literature but is reported in ClinVar (Variation ID: 264351). This variant is found in the non-Finnish European population with an allele frequency of 0.03% (39/125,790 alleles) in the Genome Aggregation Database (v2.1.1). Computational analyses predict that this variant is neutral (REVEL: 0.112). However, given the lack of clinical and functional data, the significance of this variant is uncertain at this time.

Women's Health and Genetics/Laboratory Corporation of America, LabCorp
Classification: Uncertain significance. Last evaluated: 2024-09-11. Review status: criteria provided, single submitter. Criteria: LabCorp Variant Classification Summary - May 2015. Collection method: clinical testing. Allele origin: germline.
Comment: Variant summary: MYLK c.2474C>T (p.Pro825Leu) results in a non-conservative amino acid change in the encoded protein sequence. Two of four in-silico tools predict a benign effect of the variant on protein function. The variant allele was found at a frequency of 0.00015 in 239366 control chromosomes. This frequency is not significantly higher than estimated for a pathogenic variant in MYLK causing Megacystis-Microcolon Hypoperistalsis Syndrome 1, allowing no conclusion about variant significance. To our knowledge, no occurrence of c.2474C>T in individuals affected with Megacystis-Microcolon Hypoperistalsis Syndrome 1 and no experimental evidence demonstrating its impact on protein function have been reported. ClinVar contains an entry for this variant (Variation ID: 264351). Based on the evidence outlined above, the variant was classified as uncertain significance.

CeGaT Center for Human Genetics Tuebingen
Classification: Likely benign. Last evaluated: 2024-08-01. Review status: criteria provided, single submitter. Criteria: CeGaT Center For Human Genetics Tuebingen Variant Classification Criteria Version 2. Collection method: clinical testing. Allele origin: germline. Affected: yes. Observed: 3 variant alleles.
Comment: MYLK: BP4

Mayo Clinic Laboratories, Mayo Clinic
Classification: Uncertain significance. Last evaluated: 2020-05-12. Review status: criteria provided, single submitter. Criteria: ACMG Guidelines, 2015. Collection method: clinical testing. Allele origin: germline. Observed: 1 variant allele.

CHEO Genetics Diagnostic Laboratory, Children's Hospital of Eastern Ontario
Classification: Likely benign for Familial thoracic aortic aneurysm and aortic dissection. Last evaluated: 2019-01-24. Review status: criteria provided, single submitter. Criteria: ACMG Guidelines, 2015. Collection method: clinical testing. Allele origin: germline.

Fulgent Genetics
Classification: Uncertain significance for Aortic aneurysm, familial thoracic 7. Last evaluated: 2018-10-31. Review status: criteria provided, single submitter. Criteria: ACMG Guidelines, 2015. Collection method: clinical testing. Allele origin: unknown.

Clinical Molecular Genetics Laboratory, Johns Hopkins All Children's Hospital
Classification: Uncertain significance for Marfan syndrome. Last evaluated: 2016-11-09. Review status: no assertion criteria provided. Collection method: clinical testing. Allele origin: germline. Affected: yes. Not counted in ClinVar's aggregate classification.

Clinical Genetics DNA and cytogenetics Diagnostics Lab, Erasmus MC, Erasmus Medical Center
Classification: Uncertain significance. Review status: no assertion criteria provided. Collection method: clinical testing. Allele origin: germline. Affected: yes. Study: VKGL Data-share Consensus. Not counted in ClinVar's aggregate classification.

Diagnostic Laboratory, Department of Genetics, University Medical Center Groningen
Classification: Uncertain significance. Review status: no assertion criteria provided. Collection method: clinical testing. Allele origin: germline. Affected: yes. Study: VKGL Data-share Consensus. Not counted in ClinVar's aggregate classification.

NM_053025.4(MYLK):c.2474C>T (p.Pro825Leu)

Gene: MYLK (myosin light chain kinase; minus strand). Cytogenetic location: 3q21.1.
Variant type: single nucleotide variant.
Coding change: c.2474C>T on transcript NM_053025.4 (MANE Select); coding-DNA position 2474, C replaced by T.
Protein change: p.Pro825Leu; replaces proline 825 with leucine.
Molecular consequence: missense variant.
Genome position (GRCh38, 1-based): chr3:123,700,994, G>A on the plus strand (C>T on the coding strand, the complement: MYLK is on the minus strand). VCF-style: chr3-123700994-G-A. GRCh37 (hg19) VCF-style: chr3-123419841-G-A.
Other names: c.1946C>T, p.Pro649Leu (NM_001321309.2); c.2267C>T, p.Pro756Leu (NM_053026.4, NM_053028.4); c.2474C>T, p.Pro825Leu (NM_053027.4); short protein forms P825L, P756L, P649L.
Identifiers: ClinVar variation 264351 (VCV000264351.71), dbSNP rs201332554, ClinGen allele CA068662.